The following is an entry in ClinVar:

NM_024301.5(FKRP):c.394G>A (p.Gly132Arg)

Gene: FKRP (fukutin related protein; plus strand). Cytogenetic location: 19q13.32.
Variant type: single nucleotide variant.
Coding change: c.394G>A on transcript NM_024301.5 (MANE Select); coding-DNA position 394, G replaced by A.
Protein change: p.Gly132Arg; replaces glycine 132 with arginine.
Molecular consequence: missense variant.
Genome position (GRCh38, 1-based): chr19:46,755,844, G>A. VCF-style: chr19-46755844-G-A. GRCh37 (hg19) VCF-style: chr19-47259101-G-A.
Other names: c.394G>A, p.Gly132Arg (NM_001039885.3); short protein forms G132R.
Identifiers: ClinVar variation 1736422 (VCV001736422.2), dbSNP rs900304726, ClinGen allele CA309099270.

ClinVar aggregate classification (germline): Uncertain significance (1 of 4 stars; one submission).

Conditions:
Cardiovascular phenotype. Identifiers: MedGen CN230736.

Allele frequency attached by ClinVar (database versions not stated): TOPMed below 0.00001; gnomAD 0.00001.

Submission:

Ambry Genetics
Classification: Uncertain significance for Cardiovascular phenotype. Last evaluated: 2021-11-28. Review status: criteria provided, single submitter. Criteria: Ambry Variant Classification Scheme 2023. Collection method: clinical testing. Allele origin: germline.
Comment: The p.G132R variant (also known as c.394G>A), located in coding exon 1 of the FKRP gene, results from a G to A substitution at nucleotide position 394. The glycine at codon 132 is replaced by arginine, an amino acid with dissimilar properties. This amino acid position is conserved. In addition, the in silico prediction for this alteration is inconclusive. Since supporting evidence is limited at this time, the clinical significance of this alteration remains unclear.